The following is an entry in ClinVar:

NM_000426.4(LAMA2):c.2806C>T (p.Gln936Ter)

Gene: LAMA2 (laminin subunit alpha 2; plus strand). Cytogenetic location: 6q22.33.
Variant type: single nucleotide variant.
Coding change: c.2806C>T on transcript NM_000426.4 (MANE Select); coding-DNA position 2806, C replaced by T.
Protein change: p.Gln936Ter; replaces glutamine 936 with a stop codon.
Molecular consequence: nonsense.
Genome position (GRCh38, 1-based): chr6:129,291,670, C>T. VCF-style: chr6-129291670-C-T. GRCh37 (hg19) VCF-style: chr6-129612815-C-T.
Other names: c.2806C>T, p.Gln936Ter (NM_001079823.2); short protein forms Q936*.
Identifiers: ClinVar variation 2742807 (VCV002742807.3), dbSNP rs2482308483, ClinGen allele CA365610780.
Genomic context (GRCh38, chr6:129,291,670, plus strand): 5'-GCAGCCTGTCGCTGTAATGCCGGTGGCTCTTTCTCTGAGGTTTGCCACAGTCAAACTGGA[C>T]AGTGTGAGTGCAGAGCCAACGTTCAGGGTCAGAGATGTGACAAATGCAAGGTAAGGAGTA-3'

ClinVar aggregate classification (germline): Pathogenic (1 of 4 stars; one submission).

Conditions:
LAMA2-related muscular dystrophy (LAMA2-RD). Also called: Laminin alpha 2-related dystrophy. Identifiers: MedGen C5679788, MONDO:0100228.

Submission:

Labcorp Genetics (formerly Invitae), Labcorp
Classification: Pathogenic for LAMA2-related muscular dystrophy. Last evaluated: 2023-07-12. Review status: criteria provided, single submitter. Criteria: Invitae Variant Classification Sherloc (09022015). Collection method: clinical testing. Allele origin: germline.
Comment: For these reasons, this variant has been classified as Pathogenic. This variant has not been reported in the literature in individuals affected with LAMA2-related conditions. This variant is not present in population databases (gnomAD no frequency). This sequence change creates a premature translational stop signal (p.Gln936*) in the LAMA2 gene. It is expected to result in an absent or disrupted protein product. Loss-of-function variants in LAMA2 are known to be pathogenic (PMID: 18700894, 32904964).

Literature cited by the submitters: PubMed 18700894; PubMed 32904964.